The following is an entry in ClinVar:

NM_002282.3(KRT83):c.72_78del (p.Pro25fs)

Gene: KRT83 (keratin 83; minus strand). Cytogenetic location: 12q13.13.
Variant type: Deletion.
Coding change: c.72_78del on transcript NM_002282.3 (MANE Select); coding-DNA positions 72 to 78, 7 bases deleted (GCCCCGG; older notation c.72_78delGCCCCGG).
Protein change: p.Pro25fs; shifts the reading frame from proline 25.
Molecular consequence: frameshift variant.
Genome position (GRCh38, 1-based): chr12:52,321,258-52,321,264, CCGGGGC deleted on the plus strand (GCCCCGG on the coding strand, the reverse complement: KRT83 is on the minus strand); deleting any 7 consecutive bases within chr12:52,321,258-52,321,267 gives the same sequence; the c. name uses the placement nearest the transcript's 3' end. VCF-style (leftmost placement, unchanged base first): chr12-52321257-GCCGGGGC-G. GRCh37 (hg19) VCF-style: chr12-52715041-GCCGGGGC-G.
Other names: c.72_78delGCCCCGG (NM_002282.3); short protein forms P25fs.
Identifiers: ClinVar variation 3891539 (VCV003891539.2).

ClinVar aggregate classification (germline): Conflicting classifications of pathogenicity. Review status: criteria provided, conflicting classifications (1 of 4 stars). 2 submissions from 2 submitters: Likely pathogenic (1); Uncertain significance (1). Last evaluated 2025-01-20.

Conditions:
Monilethrix-1. Identifiers: MedGen C6012688, MONDO:0700343, OMIM 158000.
Erythrokeratodermia variabilis et progressiva 5. Identifiers: MedGen C4540331, MONDO:0033015, OMIM 617756.

Submissions (2):

First Genomix Gene Laboratory, Genetic Diagnostics Department
Classification: Likely pathogenic for Erythrokeratodermia variabilis et progressiva 5. Last evaluated: 2025-01-20. Review status: criteria provided, single submitter. Criteria: ACMG Guidelines, 2015. Collection method: clinical testing. Allele origin: germline. Inheritance: Autosomal recessive inheritance. Affected: no. Observed: 1 variant allele.

Department of Pathology and Laboratory Medicine, Sinai Health System
Classification: Uncertain significance for Monilethrix-1; Erythrokeratodermia variabilis et progressiva 5. Last evaluated: 2022-10-03. Review status: criteria provided, single submitter. Criteria: ACMG Guidelines, 2015. Collection method: research. Allele origin: germline.